The following is an entry in ClinVar:

NM_033056.4(PCDH15):c.5565C>T (p.Ala1855=)

Gene: PCDH15 (protocadherin related 15; minus strand). Cytogenetic location: 10q21.1.
Variant type: single nucleotide variant.
Coding change: c.5565C>T on transcript NM_033056.4 (MANE Plus Clinical); coding-DNA position 5565, C replaced by T.
Protein change: p.Ala1855=; no amino-acid change (alanine 1855 retained).
Molecular consequence: synonymous variant. On other transcripts: intron variant (8).
Genome position (GRCh38, 1-based): chr10:53,822,161, G>A on the plus strand (C>T on the coding strand, the complement: PCDH15 is on the minus strand). VCF-style: chr10-53822161-G-A. GRCh37 (hg19) VCF-style: chr10-55581921-G-A.
Other names: c.5586C>T, p.Ala1862= (NM_001142763.2); c.5571C>T, p.Ala1857= (NM_001142764.2); c.5358C>T, p.Ala1786= (NM_001142765.2); c.5556C>T, p.Ala1852= (NM_001142766.2); c.5445C>T, p.Ala1815= (NM_001142767.2); c.5505C>T, p.Ala1835= (NM_001142768.2); c.5496C>T, p.Ala1832= (NM_001142773.2); c.5499C>T, p.Ala1833= (NM_001354404.2); and 7 more.
Identifiers: ClinVar variation 46503 (VCV000046503.71), dbSNP rs111033445, ClinGen allele CA138479.
Genomic context (GRCh38, chr10:53,822,161, plus strand): 5'-AGGGTCTGTTTTACACACTGTCGTTGTTGATAGCTGTGTCATAGAGGACTTAATTTTCTC[G>A]GCAGGCATCAAGTTGGTCGTGCATTTAACACCTGTTATACAGACACACTCTGTGGACAGA-3'
Protein context (NP_149045.3, residues 1845-1865): GVKCTTNLMP[Ala1855=]EKIKSSMTQL

ClinVar aggregate classification (germline): Conflicting classifications of pathogenicity. Review status: criteria provided, conflicting classifications (1 of 4 stars). 13 submissions from 13 submitters: Uncertain significance (2); Benign (2); Likely benign (6). 3 of the submissions do not count toward it. Last evaluated 2026-03-25.

Conditions:
PCDH15-related disorder. Also called: PCDH15-related disorders; PCDH15-related condition.
Usher syndrome type 1 (USH1). Also called: RETINITIS PIGMENTOSA AND CONGENITAL DEAFNESS. Identifiers: Orphanet 231169, Orphanet 886, MedGen C1568247, MONDO:0010168, OMIM 276900.
Usher syndrome type 1F (USH1F). Also called: USHER SYNDROME, TYPE IF. Identifiers: Orphanet 231169, Orphanet 886, MedGen C1865885, MONDO:0011186, OMIM 602083.

Allele frequency attached by ClinVar (database versions not stated): gnomAD 0.00160 and 0.00168; ESP Exome Variant Server 0.00169; TOPMed 0.00169; 1000 Genomes Project 30x 0.00078; 1000 Genomes Project 0.00040.
gnomAD v4.1: 4,409 of 1,613,934 alleles (0.27%); highest among the groups gnomAD compares: Non-Finnish European, 0.34%; 12 homozygotes.

Submissions (13):

PreventionGenetics, part of Exact Sciences
Classification: Likely benign for PCDH15-related condition. Last evaluated: 2026-03-25. Review status: criteria provided, single submitter. Criteria: ACMG Guidelines, 2015. Collection method: clinical testing. Allele origin: germline.
Comment: This variant is classified as likely benign based on ACMG/AMP sequence variant interpretation guidelines (Richards et al. 2015 PMID: 25741868, with internal and published modifications).

CeGaT Center for Human Genetics Tuebingen
Classification: Likely benign. Last evaluated: 2026-02-01. Review status: criteria provided, single submitter. Criteria: CeGaT Center For Human Genetics Tuebingen Variant Classification Criteria Version 2. Collection method: clinical testing. Allele origin: germline. Affected: yes. Observed: 3 variant alleles.
Comment: PCDH15: BP4, BP7

Labcorp Genetics (formerly Invitae), Labcorp
Classification: Benign. Last evaluated: 2026-01-27. Review status: criteria provided, single submitter. Criteria: Invitae Variant Classification Sherloc (09022015). Collection method: clinical testing. Allele origin: germline.

Blueprint Genetics
Classification: Likely benign. Last evaluated: 2024-11-15. Review status: criteria provided, single submitter. Criteria: ACMG Guidelines, 2015. Collection method: clinical testing. Allele origin: germline.

ARUP Laboratories, Molecular Genetics and Genomics, ARUP Laboratories
Classification: Benign. Last evaluated: 2019-06-26. Review status: criteria provided, single submitter. Criteria: ARUP Molecular Germline Variant Investigation Process. Collection method: clinical testing. Allele origin: germline.

Athena Diagnostics
Classification: Likely benign. Last evaluated: 2019-03-14. Review status: criteria provided, single submitter. Criteria: Athena Diagnostics Criteria. Collection method: clinical testing. Allele origin: germline.

Eurofins Ntd Llc (ga)
Classification: Uncertain significance. Last evaluated: 2018-05-30. Review status: criteria provided, single submitter. Criteria: EGL ClinVar v180209 classification definitions. Collection method: clinical testing. Allele origin: germline. Observed: 3 variant alleles, 3 heterozygotes.

Illumina Laboratory Services, Illumina
Classification: Uncertain significance for Usher syndrome type 1. Last evaluated: 2018-01-13. Review status: criteria provided, single submitter. Criteria: ICSL Variant Classification Criteria 13 December 2019. Collection method: clinical testing. Allele origin: germline.

GeneDx
Classification: Likely benign. Last evaluated: 2017-11-21. Review status: criteria provided, single submitter. Criteria: GeneDx Variant Classification (06012015). Collection method: clinical testing. Allele origin: germline. Affected: yes.
Comment: This variant is considered likely benign or benign based on one or more of the following criteria: it is a conservative change, it occurs at a poorly conserved position in the protein, it is predicted to be benign by multiple in silico algorithms, and/or has population frequency not consistent with disease.

Laboratory for Molecular Medicine, Mass General Brigham Personalized Medicine
Classification: Likely benign. Last evaluated: 2017-09-04. Review status: criteria provided, single submitter. Criteria: LMM Criteria. Collection method: clinical testing. Allele origin: germline. Observed: 11 variant alleles.
Comment: p.Ala1855Ala in exon 33 of PCDH15: This variant is not expected to have clinical significance because it does not alter an amino acid residue, is not located ne ar a splice junction and has been identified in 0.3% (381/126618) European chro mosomes by the Genome Aggregation Database (gnomAD .org; dbSNP rs111033445).

Natera, Inc.
Classification: Benign for Usher syndrome type 1F. Last evaluated: 2019-10-23. Review status: no assertion criteria provided. Collection method: clinical testing. Allele origin: germline. Not counted in ClinVar's aggregate classification.

Clinical Genetics DNA and cytogenetics Diagnostics Lab, Erasmus MC, Erasmus Medical Center
Classification: Likely benign. Review status: no assertion criteria provided. Collection method: clinical testing. Allele origin: germline. Affected: yes. Study: VKGL Data-share Consensus. Not counted in ClinVar's aggregate classification.

Clinical Genetics, Academic Medical Center
Classification: Benign. Review status: no assertion criteria provided. Collection method: clinical testing. Allele origin: germline. Affected: yes. Study: VKGL Data-share Consensus. Not counted in ClinVar's aggregate classification.

Literature cited by the submitters: PubMed 27208204 (cited by Athena Diagnostics).